The following is an entry in ClinVar:

ClinVar aggregate classification (germline): Uncertain significance (1 of 4 stars; one submission).

Conditions:
Sulfite oxidase deficiency due to molybdenum cofactor deficiency type C. Also called: Molybdenum cofactor deficiency, complementation group C; Molybdenum cofactor deficiency C. Identifiers: Orphanet 308400, Orphanet 833, MedGen C1854990, MONDO:0014212, OMIM 615501.

Allele frequency attached by ClinVar (database versions not stated): TOPMed 0.00002; gnomAD 0.00002; gnomAD exomes below 0.00001 and 0.00005.

Submission:

Labcorp Genetics (formerly Invitae), Labcorp
Classification: Uncertain significance for Sulfite oxidase deficiency due to molybdenum cofactor deficiency type C. Last evaluated: 2022-12-12. Review status: criteria provided, single submitter. Criteria: Invitae Variant Classification Sherloc (09022015). Collection method: clinical testing. Allele origin: germline.
Comment: This variant has not been reported in the literature in individuals affected with GPHN-related conditions. This variant is present in population databases (no rsID available, gnomAD 0.002%). This sequence change replaces methionine, which is neutral and non-polar, with isoleucine, which is neutral and non-polar, at codon 127 of the GPHN protein (p.Met127Ile). ClinVar contains an entry for this variant (Variation ID: 534551). In summary, the available evidence is currently insufficient to determine the role of this variant in disease. Therefore, it has been classified as a Variant of Uncertain Significance. Advanced modeling of protein sequence and biophysical properties (such as structural, functional, and spatial information, amino acid conservation, physicochemical variation, residue mobility, and thermodynamic stability) performed at Invitae indicates that this missense variant is not expected to disrupt GPHN protein function.

NM_020806.5(GPHN):c.381G>A (p.Met127Ile)

Gene: GPHN (gephyrin; plus strand). Cytogenetic location: 14q23.3.
Variant type: single nucleotide variant.
Coding change: c.381G>A on transcript NM_020806.5 (MANE Select); coding-DNA position 381, G replaced by A.
Protein change: p.Met127Ile; replaces methionine 127 with isoleucine.
Molecular consequence: missense variant.
Genome position (GRCh38, 1-based): chr14:66,880,025, G>A. VCF-style: chr14-66880025-G-A. GRCh37 (hg19) VCF-style: chr14-67346743-G-A.
Other names: c.381G>A, p.Met127Ile (NM_001024218.2, NM_001377515.1, NM_001377516.1 and 2 more transcripts); c.420G>A, p.Met140Ile (NM_001377514.1, NM_001377519.1); short protein forms M127I, M140I.
Identifiers: ClinVar variation 534551 (VCV000534551.4), dbSNP rs1057338763, ClinGen allele CA263282326.